The following is an entry in ClinVar:

NM_000130.5(F5):c.4778A>T (p.Tyr1593Phe)

Gene: F5 (coagulation factor V; minus strand). Cytogenetic location: 1q24.2.
Variant type: single nucleotide variant.
Coding change: c.4778A>T on transcript NM_000130.5 (MANE Select); coding-DNA position 4778, A replaced by T.
Protein change: p.Tyr1593Phe; replaces tyrosine 1593 with phenylalanine.
Molecular consequence: missense variant.
Genome position (GRCh38, 1-based): chr1:169,540,312, T>A on the plus strand (A>T on the coding strand, the complement: F5 is on the minus strand). VCF-style: chr1-169540312-T-A. GRCh37 (hg19) VCF-style: chr1-169509550-T-A.
Other names: short protein forms Y1593F.
Identifiers: ClinVar variation 3015425 (VCV003015425.1), dbSNP rs1316239090, ClinGen allele CA343141364.

ClinVar aggregate classification (germline): Uncertain significance (1 of 4 stars; one submission).

Conditions:
Congenital factor V deficiency. Also called: Hereditary factor V deficiency disease; LABILE FACTOR DEFICIENCY; OWREN PARAHEMOPHILIA; PARAHEMOPHILIA. Identifiers: Orphanet 326, MedGen C0015499, MONDO:0009210, OMIM 227400.

Allele frequency attached by ClinVar (database versions not stated): gnomAD exomes below 0.00001.
gnomAD v4.1: 4 of 1,613,788 alleles (0.00025%); highest among the groups gnomAD compares: African/African-American, 0.0053%; no homozygotes.

Submission:

Labcorp Genetics (formerly Invitae), Labcorp
Classification: Uncertain significance for Congenital factor V deficiency. Last evaluated: 2023-09-09. Review status: criteria provided, single submitter. Criteria: Invitae Variant Classification Sherloc (09022015). Collection method: clinical testing. Allele origin: germline.
Comment: In summary, the available evidence is currently insufficient to determine the role of this variant in disease. Therefore, it has been classified as a Variant of Uncertain Significance. Advanced modeling of protein sequence and biophysical properties (such as structural, functional, and spatial information, amino acid conservation, physicochemical variation, residue mobility, and thermodynamic stability) performed at Invitae indicates that this missense variant is expected to disrupt F5 protein function. This variant has not been reported in the literature in individuals affected with F5-related conditions. This variant is not present in population databases (gnomAD no frequency). This sequence change replaces tyrosine, which is neutral and polar, with phenylalanine, which is neutral and non-polar, at codon 1593 of the F5 protein (p.Tyr1593Phe).